The following is an entry in ClinVar:

ClinVar aggregate classification (germline): Pathogenic (1 of 4 stars; one submission).

Submission:

Labcorp Genetics (formerly Invitae), Labcorp
Classification: Pathogenic. Last evaluated: 2022-04-02. Review status: criteria provided, single submitter. Criteria: Invitae Variant Classification Sherloc (09022015). Collection method: clinical testing. Allele origin: germline.
Comment: For these reasons, this variant has been classified as Pathogenic. This variant disrupts a region of the MUT protein in which other variant(s) (p.Gly717Val) have been determined to be pathogenic (PMID: 1346616, 16281286, 27233228). This suggests that this is a clinically significant region of the protein, and that variants that disrupt it are likely to be disease-causing. This variant has not been reported in the literature in individuals affected with MUT-related conditions. This variant is a gross deletion of the genomic region encompassing exon(s) 12-13 of the MUT gene, which includes the termination codon. This deletion extends beyond the assayed region for this gene and therefore may encompass additional genes. While this deletion is not anticipated to lead to nonsense mediated decay, it is expected to alter mRNA translation or result in a truncated protein product.

Literature cited by the submitters: PubMed 1346616; PubMed 16281286; PubMed 27233228.

NC_000006.11:g.(?_49399431)_(49403346_?)del

Gene: MMUT (methylmalonyl-CoA mutase; minus strand). Cytogenetic location: 6p12.3.
Variant type: Deletion.
Identifiers: ClinVar variation 2422680 (VCV002422680.4).